The following is an entry in ClinVar:

NM_182641.4(BPTF):c.1693G>A (p.Gly565Arg)

Gene: BPTF (bromodomain PHD finger transcription factor; plus strand). Cytogenetic location: 17q24.2.
Variant type: single nucleotide variant.
Coding change: c.1693G>A on transcript NM_182641.4 (MANE Select); coding-DNA position 1693, G replaced by A.
Protein change: p.Gly565Arg; replaces glycine 565 with arginine.
Molecular consequence: missense variant.
Genome position (GRCh38, 1-based): chr17:67,874,849, G>A. VCF-style: chr17-67874849-G-A. GRCh37 (hg19) VCF-style: chr17-65870965-G-A.
Other names: c.1693G>A, p.Gly565Arg (NM_004459.7); short protein forms G565R.
Identifiers: ClinVar variation 3359639 (VCV003359639.1).

ClinVar aggregate classification (germline): Uncertain significance (1 of 4 stars; one submission).

gnomAD v4.1: 1 of 1,613,050 alleles (0.000062%); highest among the groups gnomAD compares: Admixed American, 0.0017%; no homozygotes.

Submission:

GeneDx
Classification: Uncertain significance. Last evaluated: 2023-06-13. Review status: criteria provided, single submitter. Criteria: GeneDx Variant Classification Process June 2021. Collection method: clinical testing. Allele origin: germline. Affected: yes.
Comment: Not observed at significant frequency in large population cohorts (gnomAD); In silico analysis supports that this missense variant has a deleterious effect on protein structure/function; Has not been previously published as pathogenic or benign to our knowledge